The following is an entry in ClinVar:

NM_003227.4(TFR2):c.63_66del (p.Val22fs)

Gene: TFR2 (transferrin receptor 2; minus strand). Cytogenetic location: 7q22.1.
Variant type: Deletion.
Coding change: c.63_66del on transcript NM_003227.4 (MANE Select); coding-DNA positions 63 to 66, 4 bases deleted (CGTC; older notation c.63_66delCGTC).
Protein change: p.Val22fs; shifts the reading frame from valine 22.
Molecular consequence: frameshift variant.
Genome position (GRCh38, 1-based): chr7:100,641,196-100,641,199, GACG deleted on the plus strand (CGTC on the coding strand, the reverse complement: TFR2 is on the minus strand); deleting any 4 consecutive bases within chr7:100,641,196-100,641,200 gives the same sequence; the c. name uses the placement nearest the transcript's 3' end. VCF-style (leftmost placement, unchanged base first): chr7-100641195-AGACG-A. GRCh37 (hg19) VCF-style: chr7-100238818-AGACG-A.
Other names: c.63_66delCGTC (NM_003227.3); short protein forms V22fs.
Identifiers: ClinVar variation 2024923 (VCV002024923.5), dbSNP rs2486147898, ClinGen allele CA2580075992.

ClinVar aggregate classification (germline): Pathogenic/Likely pathogenic. Review status: criteria provided, multiple submitters, no conflicts (2 of 4 stars). 2 submissions from 2 submitters: Pathogenic (1); Likely pathogenic (1). Last evaluated 2024-05-02.

Conditions:
Hemochromatosis type 3 (HFE3). Also called: HEMOCHROMATOSIS DUE TO DEFECT IN TRANSFERRIN RECEPTOR 2; TFR2-Related Hemochromatosis; Hereditary hemochromatosis type 3. Identifiers: Orphanet 225123, MedGen C1858664, MONDO:0011417, OMIM 604250.
Hereditary hemochromatosis (HFE). Identifiers: MedGen C0392514, MONDO:0006507. Disease mechanism: loss of function.

Submissions (2):

Natera, Inc.
Classification: Likely pathogenic for Hereditary hemochromatosis type 3. Last evaluated: 2024-05-02. Review status: criteria provided, single submitter. Criteria: Natera Variant Classification Schema (03/2026). Collection method: clinical testing. Allele origin: germline.
Comment: The c.63_66delCGTC variant in TFR2 is a frameshift variant predicted to shift the reading frame beginning at codon 22 and leads to a stop codon 34 codons downstream. This variant is expected to result in nonsense mediated decay, truncation, or a dysfunctional protein product. This variant is rare in the general population with a frequency below the threshold expected for the associated phenotype(s). Given the available evidence, this variant is classified as Likely Pathogenic.

Labcorp Genetics (formerly Invitae), Labcorp
Classification: Pathogenic for Hereditary hemochromatosis. Last evaluated: 2022-08-19. Review status: criteria provided, single submitter. Criteria: Invitae Variant Classification Sherloc (09022015). Collection method: clinical testing. Allele origin: germline.
Comment: This variant is not present in population databases (gnomAD no frequency). This sequence change creates a premature translational stop signal (p.Val22Thrfs*34) in the TFR2 gene. It is expected to result in an absent or disrupted protein product. Loss-of-function variants in TFR2 are known to be pathogenic (PMID: 23600741, 26029709). This variant has not been reported in the literature in individuals affected with TFR2-related conditions. For these reasons, this variant has been classified as Pathogenic.

Literature cited by the submitters: PubMed 23600741 (cited by Labcorp Genetics (formerly Invitae), Labcorp); PubMed 26029709 (cited by Labcorp Genetics (formerly Invitae), Labcorp).